The following is an entry in ClinVar:

ClinVar aggregate classification (germline): Uncertain significance (1 of 4 stars; one submission).

Conditions:
Cystic fibrosis (CF). Also called: MUCOVISCIDOSIS. Identifiers: Orphanet 586, MedGen C0010674, MONDO:0009061, OMIM 219700. Disease mechanism: loss of function.

Allele frequency attached by ClinVar (database versions not stated): gnomAD exomes below 0.00001.
gnomAD v4.1: 1 of 1,598,074 alleles (0.000063%); highest among the groups gnomAD compares: Admixed American, 0.0018%; no homozygotes.

Submission:

Ambry Genetics
Classification: Uncertain significance for Cystic fibrosis. Last evaluated: 2023-11-22. Review status: criteria provided, single submitter. Criteria: Ambry Variant Classification Scheme 2023. Collection method: clinical testing. Allele origin: germline.
Comment: The p.M607T variant (also known as c.1820T>C), located in coding exon 14 of the CFTR gene, results from a T to C substitution at nucleotide position 1820. The methionine at codon 607 is replaced by threonine, an amino acid with similar properties. This amino acid position is conserved. In addition, the in silico prediction for this alteration is inconclusive. Since supporting evidence is limited at this time, the clinical significance of this alteration remains unclear.

NM_000492.4(CFTR):c.1820T>C (p.Met607Thr)

Gene: CFTR (CF transmembrane conductance regulator; plus strand). Cytogenetic location: 7q31.2.
Variant type: single nucleotide variant.
Coding change: c.1820T>C on transcript NM_000492.4 (MANE Select); coding-DNA position 1820, T replaced by C.
Protein change: p.Met607Thr; replaces methionine 607 with threonine.
Molecular consequence: missense variant.
Genome position (GRCh38, 1-based): chr7:117,591,987, T>C. VCF-style: chr7-117591987-T-C. GRCh37 (hg19) VCF-style: chr7-117232041-T-C.
Other names: short protein forms M607T.
Identifiers: ClinVar variation 3231836 (VCV003231836.1), dbSNP rs2485109138, ClinGen allele CA368978145.
Genomic context (GRCh38, chr7:117,591,987, plus strand): 5'-CTTAAAGCTGTGTCTGTAAACTGATGGCTAACAAAACTAGGATTTTGGTCACTTCTAAAA[T>C]GGAACATTTAAAGAAAGCTGACAAAATATTAATTTTGCATGAAGGTAGCAGCTATTTTTA-3'
Protein context (NP_000483.3, residues 597-617): NKTRILVTSK[Met607Thr]EHLKKADKIL